The following is an entry in ClinVar:

NM_001042492.3(NF1):c.5610-2A>C

Gene: NF1 (neurofibromin 1; plus strand). Cytogenetic location: 17q11.2.
Variant type: single nucleotide variant.
Coding change: c.5610-2A>C on transcript NM_001042492.3 (MANE Select); the canonical splice acceptor site of the intron before coding-DNA position 5610, A replaced by C.
Molecular consequence: splice acceptor variant.
Genome position (GRCh38, 1-based): chr17:31,330,294, A>C. VCF-style: chr17-31330294-A-C. GRCh37 (hg19) VCF-style: chr17-29657312-A-C.
Other names: c.5547-2A>C (NM_000267.4).
Identifiers: ClinVar variation 1748223 (VCV001748223.2), dbSNP rs1135402876, ClinGen allele CA399010086.
Genomic context (GRCh38, chr17:31,330,294, plus strand): 5'-AAAATTTTGGAACTATAAGGAAAAATACGTTTTAAAACAACTTCATTTGTGTTTTCTCCT[A>C]GGTCAGCTGCCTATAATCTTCTGTGTGCCTTAACTTGTACCTTTAATTTAAAAATCGAGG-3'

ClinVar aggregate classification (germline): Likely pathogenic (1 of 4 stars; one submission).

Conditions:
Cardiovascular phenotype. Identifiers: MedGen CN230736.
Hereditary cancer-predisposing syndrome. Also called: Hereditary Cancer Syndrome; Hereditary neoplastic syndrome; Neoplastic Syndromes, Hereditary; Tumor predisposition. Identifiers: Orphanet 140162, MedGen C0027672, MeSH D009386, MONDO:0015356.

Submission:

Ambry Genetics
Classification: Likely pathogenic for Cardiovascular phenotype; Hereditary cancer-predisposing syndrome. Last evaluated: 2016-08-18. Review status: criteria provided, single submitter. Criteria: Ambry Variant Classification Scheme 2023. Collection method: clinical testing. Allele origin: germline.
Comment: The c.5547-2A>C intronic variant results from an A to C substitution two nucleotides upstream from coding exon 38 in the NF1 gene. This variant was not reported in population based cohorts in the following databases: Database of Single Nucleotide Polymorphisms (dbSNP), NHLBI Exome Sequencing Project (ESP), and 1000 Genomes Project. In the ESP, this variant was not observed in 6503 samples (13006 alleles) with coverage at this position. To date, this alteration has been detected with an allele frequency of approximately 0.001% (greater than 175000 alleles tested) in our clinical cohort. This nucleotide position is highly conserved in available vertebrate species. Using the BDGP and ESEfinder splice site prediction tools, this alteration is predicted to abolish the native splice acceptor site; however, direct evidence is unavailable. Alterations that disrupt the canonical splice site are expected to cause aberrant splicing, resulting in an abnormal protein or a transcript that is subject to nonsense-mediated mRNA decay. As such, this alteration is classified as likely pathogenic.